The following is an entry in ClinVar:

ClinVar aggregate classification (germline): Uncertain significance. Review status: criteria provided, multiple submitters, no conflicts (2 of 4 stars). 2 submissions from 2 submitters: Uncertain significance (2). Last evaluated 2025-05-23.

Conditions:
Thrombophilia due to protein C deficiency, autosomal dominant. Also called: PROC DEFICIENCY, AUTOSOMAL DOMINANT; PROTEIN C DEFICIENCY, AUTOSOMAL DOMINANT. Identifiers: Orphanet 745, MedGen C2674321, MONDO:0008316, OMIM 176860. Disease mechanism: loss of function.

Submissions (2):

Labcorp Genetics (formerly Invitae), Labcorp
Classification: Uncertain significance for Thrombophilia due to protein C deficiency, autosomal dominant. Last evaluated: 2025-05-23. Review status: criteria provided, single submitter. Criteria: Invitae Variant Classification Sherloc (09022015). Collection method: clinical testing. Allele origin: germline.
Comment: This sequence change replaces glycine, which is neutral and non-polar, with cysteine, which is neutral and slightly polar, at codon 116 of the PROC protein (p.Gly116Cys). This variant is not present in population databases (gnomAD no frequency). This missense change has been observed in individual(s) with protein C deficiency (PMID: 33165188). Invitae Evidence Modeling of protein sequence and biophysical properties (such as structural, functional, and spatial information, amino acid conservation, physicochemical variation, residue mobility, and thermodynamic stability) indicates that this missense variant is expected to disrupt PROC protein function with a positive predictive value of 80%. This variant disrupts the p.Gly116 amino acid residue in PROC. Other variant(s) that disrupt this residue have been observed in individuals with PROC-related conditions (PMID: 28405673, 32717757, 33165188), which suggests that this may be a clinically significant amino acid residue. In summary, the available evidence is currently insufficient to determine the role of this variant in disease. Therefore, it has been classified as a Variant of Uncertain Significance.

Blueprint Genetics
Classification: Uncertain significance. Last evaluated: 2019-05-29. Review status: criteria provided, single submitter. Criteria: ACMG Guidelines, 2015. Collection method: clinical testing. Allele origin: germline.

Literature cited by the submitters: PubMed 33165188 (cited by Labcorp Genetics (formerly Invitae), Labcorp); PubMed 28405673 (cited by Labcorp Genetics (formerly Invitae), Labcorp); PubMed 32717757 (cited by Labcorp Genetics (formerly Invitae), Labcorp).

NM_000312.4(PROC):c.346G>T (p.Gly116Cys)

Gene: PROC (protein C, inactivator of coagulation factors Va and VIIIa; plus strand). Cytogenetic location: 2q14.3.
Variant type: single nucleotide variant.
Coding change: c.346G>T on transcript NM_000312.4 (MANE Select); coding-DNA position 346, G replaced by T.
Protein change: p.Gly116Cys; replaces glycine 116 with cysteine.
Molecular consequence: missense variant. On other transcripts: synonymous variant (1).
Genome position (GRCh38, 1-based): chr2:127,423,117, G>T. VCF-style: chr2-127423117-G-T. GRCh37 (hg19) VCF-style: chr2-128180693-G-T.
Other names: c.529G>T, p.Gly177Cys (NM_001375602.1); c.409G>T, p.Gly137Cys (NM_001375603.1, NM_001375604.1); c.346G>T, p.Gly116Cys (NM_001375605.1, NM_001375608.1, NM_001375611.1 and 1 more transcripts); c.501G>T, p.Ser167= (NM_001375606.1); c.430G>T, p.Gly144Cys (NM_001375607.1); c.322G>T, p.Gly108Cys (NM_001375609.1); c.340G>T, p.Gly114Cys (NM_001375610.1); short protein forms G108C, G114C, G144C, G177C, G116C, G137C.
Identifiers: ClinVar variation 4707399 (VCV004707399.2).